The following is an entry in ClinVar:

NM_014014.5(SNRNP200):c.2438C>T (p.Ala813Val)

Gene: SNRNP200 (small nuclear ribonucleoprotein U5 subunit 200; minus strand). Cytogenetic location: 2q11.2.
Variant type: single nucleotide variant.
Coding change: c.2438C>T on transcript NM_014014.5 (MANE Select); coding-DNA position 2438, C replaced by T.
Protein change: p.Ala813Val; replaces alanine 813 with valine.
Molecular consequence: missense variant.
Genome position (GRCh38, 1-based): chr2:96,290,799, G>A on the plus strand (C>T on the coding strand, the complement: SNRNP200 is on the minus strand). VCF-style: chr2-96290799-G-A. GRCh37 (hg19) VCF-style: chr2-96956537-G-A.
Other names: short protein forms A813V.
Identifiers: ClinVar variation 813998 (VCV000813998.1), dbSNP rs1470798497, ClinGen allele CA347677337.

ClinVar aggregate classification (germline): Likely pathogenic (1 of 4 stars; one submission).

Conditions:
Retinitis pigmentosa 33 (RP33). Identifiers: Orphanet 791, MedGen C1835895, MONDO:0012477, OMIM 610359.

Submission:

Broad Center for Mendelian Genomics, Broad Institute of MIT and Harvard
Classification: Likely pathogenic for Retinitis pigmentosa 33. Last evaluated: 2018-12-03. Review status: criteria provided, single submitter. Criteria: ACMG Guidelines, 2015. Collection method: research. Allele origin: de novo. Inheritance: Autosomal dominant inheritance. Affected: yes.
Comment: Trio exome analysis showed this variant to be de novo. The p.Ala813Val variant in SNRNP200 has not been previously reported in individuals with retinitis pigmentosa and was absent from large population studies. Computational prediction tools and conservation analyses do not provide strong support for or against an impact to the protein. In summary, although additional studies are required to fully establish its clinical significance, this variant is likely pathogenic. ACMG/AMP Criteria applied: PM2, PS2 (Richards 2015).